The following is an entry in ClinVar:

NM_130839.5(UBE3A):c.1185A>G (p.Glu395=)

Genes: SNHG14 (small nucleolar RNA host gene 14; plus strand), UBE3A (ubiquitin protein ligase E3A; minus strand). Cytogenetic location: 15q11.2.
Variant type: single nucleotide variant.
Coding change: c.1185A>G on transcript NM_130839.5 (MANE Select); coding-DNA position 1185, A replaced by G.
Protein change: p.Glu395=; no amino-acid change (glutamic acid 395 retained).
Molecular consequence: synonymous variant. On other transcripts: non-coding transcript variant (1), intron variant (2).
Genome position (GRCh38, 1-based): chr15:25,370,989, T>C on the plus strand (A>G on the coding strand, the complement: UBE3A is on the minus strand). VCF-style: chr15-25370989-T-C. GRCh37 (hg19) VCF-style: chr15-25616136-T-C.
Other names: p.E395E:GAA>GAG; p.Glu375=; c.1194A>G, p.Glu398= (NM_000462.5); c.1185A>G, p.Glu395= (NM_001354505.1, NM_001354538.2, NM_001354545.2); c.1125A>G, p.Glu375= (NM_001354506.2, NM_001354507.2, NM_001354508.2 and 17 more transcripts); c.1008A>G, p.Glu336= (NM_001354546.2); c.301+4476A>G (NM_001354551.2); c.361+4476A>G (NM_001354550.2).
Identifiers: ClinVar variation 137884 (VCV000137884.24), dbSNP rs114056442, ClinGen allele CA180469.
Genomic context (GRCh38, chr15:25,370,989, plus strand): 5'-TCTTCTTTCTTCTCCCAAAAGTTCCTGAAGTGTCAGCTCGCTGGACTCAGGGATGGGCTC[T>C]TCATCATCTTCTTCATTGTGATTTGTGTCCACTTCCCCTCCCACTACATTTGCATAGTAA-3'
Protein context (NP_570854.1, residues 385-405): VDTNHNEEDD[Glu395=]EPIPESSELT

ClinVar aggregate classification (germline): Benign. Review status: criteria provided, multiple submitters, no conflicts (2 of 4 stars). 8 submissions from 8 submitters: Benign (8). Last evaluated 2026-02-03.

Conditions:
Inborn genetic diseases. Identifiers: MedGen C0950123, MeSH D030342.
Angelman syndrome (AS). Also called: HAPPY PUPPET SYNDROME. Identifiers: Orphanet 72, MedGen C0162635, MONDO:0007113, OMIM 105830. Disease mechanism: loss of function. Inheritance: AS is caused by disruption of maternally imprinted UBE3A located within the 15q11.2-q13 Angelman syndrome/Prader-Willi syndrome (AS/PWS) region., imprinting disorder.

Allele frequency attached by ClinVar (database versions not stated): ESP Exome Variant Server 0.00538; gnomAD 0.00568 and 0.00599; 1000 Genomes Project 0.00599; TOPMed 0.00629; 1000 Genomes Project 30x 0.00703.
gnomAD v4.1: 1,627 of 1,614,122 alleles (0.1%); highest among the groups gnomAD compares: African/African-American, 2%; 14 homozygotes.

Submissions (8):

Labcorp Genetics (formerly Invitae), Labcorp
Classification: Benign for Angelman syndrome. Last evaluated: 2026-02-03. Review status: criteria provided, single submitter. Criteria: Invitae Variant Classification Sherloc (09022015). Collection method: clinical testing. Allele origin: germline.

ARUP Laboratories, Molecular Genetics and Genomics, ARUP Laboratories
Classification: Benign for Angelman syndrome. Last evaluated: 2025-03-13. Review status: criteria provided, single submitter. Criteria: ARUP Molecular Germline Variant Investigation Process 2024. Collection method: clinical testing. Allele origin: germline.

Mayo Clinic Laboratories, Mayo Clinic
Classification: Benign. Last evaluated: 2022-01-23. Review status: criteria provided, single submitter. Criteria: ACMG Guidelines, 2015. Collection method: clinical testing. Allele origin: germline. Observed: 2 variant alleles.
Comment: BS1, BS2, BP4, BP7

Athena Diagnostics
Classification: Benign. Last evaluated: 2019-11-01. Review status: criteria provided, single submitter. Criteria: Athena Diagnostics Criteria. Collection method: clinical testing. Allele origin: unknown.

Ambry Genetics
Classification: Benign for Inborn genetic diseases. Last evaluated: 2016-05-13. Review status: criteria provided, single submitter. Criteria: Ambry Variant Classification Scheme 2023. Collection method: clinical testing. Allele origin: germline.

Eurofins Ntd Llc (ga)
Classification: Benign. Last evaluated: 2014-01-03. Review status: criteria provided, single submitter. Criteria: EGL Classification Definitions 2015. Collection method: clinical testing. Allele origin: germline. Observed: 1 variant allele, 1 heterozygote.

GeneDx
Classification: Benign. Last evaluated: 2013-12-02. Review status: criteria provided, single submitter. Criteria: GeneDx Variant Classification (06012015). Collection method: clinical testing. Allele origin: germline. Affected: yes.
Comment: This variant is considered likely benign or benign based on one or more of the following criteria: it is a conservative change, it occurs at a poorly conserved position in the protein, it is predicted to be benign by multiple in silico algorithms, and/or has population frequency not consistent with disease.

Breakthrough Genomics
Classification: Benign. Review status: criteria provided, single submitter. Criteria: ACMG Guidelines, 2015. Collection method: not provided. Allele origin: germline. Inheritance: Autosomal dominant inheritance. Affected: yes.